The following is an entry in ClinVar:

ClinVar aggregate classification (germline): Uncertain significance (1 of 4 stars; one submission).

Conditions:
Primary open angle glaucoma (POAG). Also called: OPTN-related open angle glaucoma. Identifiers: MedGen C0339573, MONDO:0100553, OMIM 137760.
Glaucoma 1, open angle, E. Identifiers: MedGen C1842026, MONDO:0007665.
Amyotrophic lateral sclerosis type 12 (ALS12). Also called: AMYOTROPHIC LATERAL SCLEROSIS 12 WITH OR WITHOUT FRONTOTEMPORAL DEMENTIA. Identifiers: Orphanet 803, MedGen C3150692, MONDO:0013264, OMIM 613435.

Allele frequency attached by ClinVar (database versions not stated): gnomAD exomes below 0.00001.
gnomAD v4.1: 3 of 1,613,684 alleles (0.00019%); highest among the groups gnomAD compares: Non-Finnish European, 0.00025%; no homozygotes.

Submission:

Labcorp Genetics (formerly Invitae), Labcorp
Classification: Uncertain significance for Primary open angle glaucoma; Glaucoma 1, open angle, E; Amyotrophic lateral sclerosis type 12. Last evaluated: 2023-07-07. Review status: criteria provided, single submitter. Criteria: Invitae Variant Classification Sherloc (09022015). Collection method: clinical testing. Allele origin: germline.
Comment: In summary, the available evidence is currently insufficient to determine the role of this variant in disease. Therefore, it has been classified as a Variant of Uncertain Significance. Algorithms developed to predict the effect of sequence changes on RNA splicing suggest that this variant may disrupt the consensus splice site. Advanced modeling of protein sequence and biophysical properties (such as structural, functional, and spatial information, amino acid conservation, physicochemical variation, residue mobility, and thermodynamic stability) performed at Invitae indicates that this missense variant is not expected to disrupt OPTN protein function. This variant has not been reported in the literature in individuals affected with OPTN-related conditions. This variant is not present in population databases (gnomAD no frequency). This sequence change replaces glycine, which is neutral and non-polar, with arginine, which is basic and polar, at codon 200 of the OPTN protein (p.Gly200Arg).

NM_001008212.2(OPTN):c.598G>A (p.Gly200Arg)

Gene: OPTN (optineurin; plus strand). Cytogenetic location: 10p13.
Variant type: single nucleotide variant.
Coding change: c.598G>A on transcript NM_001008212.2 (MANE Select); coding-DNA position 598, G replaced by A.
Protein change: p.Gly200Arg; replaces glycine 200 with arginine.
Molecular consequence: missense variant.
Genome position (GRCh38, 1-based): chr10:13,116,312, G>A. VCF-style: chr10-13116312-G-A. GRCh37 (hg19) VCF-style: chr10-13158312-G-A.
Other names: c.598G>A, p.Gly200Arg (NM_001008211.1, NM_001008213.1, NM_021980.4); short protein forms G200R.
Identifiers: ClinVar variation 2923672 (VCV002923672.3), dbSNP rs2539051176, ClinGen allele CA376028269.